The following is an entry in ClinVar:

NM_015294.6(TRIM37):c.2870A>G (p.Asn957Ser)

Gene: TRIM37 (tripartite motif containing 37; minus strand). Cytogenetic location: 17q22.
Variant type: single nucleotide variant.
Coding change: c.2870A>G on transcript NM_015294.6 (MANE Select); coding-DNA position 2870, A replaced by G.
Protein change: p.Asn957Ser; replaces asparagine 957 with serine.
Molecular consequence: missense variant. On other transcripts: non-coding transcript variant (2).
Genome position (GRCh38, 1-based): chr17:58,999,402, T>C on the plus strand (A>G on the coding strand, the complement: TRIM37 is on the minus strand). VCF-style: chr17-58999402-T-C. GRCh37 (hg19) VCF-style: chr17-57076763-T-C.
Other names: c.2870A>G, p.Asn957Ser (NM_001005207.5); c.2768A>G, p.Asn923Ser (NM_001320987.3); c.2753A>G, p.Asn918Ser (NM_001320988.3, NM_001320989.3); c.2387A>G, p.Asn796Ser (NM_001320990.3); c.2795A>G, p.Asn932Ser (NM_001353082.2); c.2135A>G, p.Asn712Ser (NM_001353083.2); c.2897A>G, p.Asn966Ser (NM_001353084.2); c.2408A>G, p.Asn803Ser (NM_001353085.2); and 1 more; short protein forms N712S, N796S, N803S, N918S, N923S, N932S, N940S, N957S.
Identifiers: ClinVar variation 1800529 (VCV001800529.1), dbSNP rs758697503, ClinGen allele CA8677903.
Genomic context (GRCh38, chr17:58,999,402, plus strand): 5'-AGGTAGCTTGCAAGTCAGTTCTCTTGATTTGGCAATTACCTTCCACTATTTTCATCTGTA[T>C]TGAAGCTGAGATCTTCAGGGCCTATTTGTTCACCATCAGGAAAACTGGAATGTGTATCTA-3'
Protein context (NP_056109.1, residues 947-964): EQIGPEDLSF[Asn957Ser]TDENSGR

ClinVar aggregate classification (germline): Uncertain significance (1 of 4 stars; one submission).

Allele frequency attached by ClinVar (database versions not stated): ExAC 0.00002; gnomAD exomes 0.00002; TOPMed 0.00006; gnomAD 0.00008.
gnomAD v4.1: 46 of 1,613,820 alleles (0.0029%); highest among the groups gnomAD compares: African/African-American, 0.024%; no homozygotes.

Submission:

GeneDx
Classification: Uncertain significance. Last evaluated: 2022-05-18. Review status: criteria provided, single submitter. Criteria: GeneDx Variant Classification Process June 2021. Collection method: clinical testing. Allele origin: germline. Affected: yes.
Comment: Has not been previously published as pathogenic or benign to our knowledge; In silico analysis supports that this missense variant does not alter protein structure/function